The following is an entry in ClinVar:

ClinVar aggregate classification (germline): Conflicting classifications of pathogenicity. Review status: criteria provided, conflicting classifications (1 of 4 stars). 4 submissions from 4 submitters: Uncertain significance (1); Likely benign (2). 1 of the submissions does not count toward it. Last evaluated 2025-06-12.

Conditions:
KMT2D-related disorder. Also called: KMT2D-Related Disorders.
Kabuki syndrome 1 (KABUK1). Also called: KMT2D-Related Kabuki Syndrome. Identifiers: Orphanet 2322, MedGen CN030661, MONDO:0007843, OMIM 147920.
Choanal atresia-athelia-hypothyroidism-delayed puberty-short stature syndrome (BCAHH). Also called: BRANCHIAL ARCH ABNORMALITIES, CHOANAL ATRESIA, ATHELIA, HEARING LOSS, AND HYPOTHYROIDISM SYNDROME. Identifiers: Orphanet 589856, MedGen C5680310, MONDO:0035651, OMIM 620186.
Kabuki syndrome. Also called: Kabuki make-up syndrome; NIIKAWA-KUROKI SYNDROME. Identifiers: Orphanet 2322, MedGen C0796004, MONDO:0016512.

Allele frequency attached by ClinVar (database versions not stated): gnomAD 0.00001; gnomAD exomes 0.00001; ExAC 0.00002; TOPMed 0.00002.
gnomAD v4.1: 13 of 1,608,384 alleles (0.00081%); highest among the groups gnomAD compares: Admixed American, 0.0067%; no homozygotes.

Submissions (4):

Labcorp Genetics (formerly Invitae), Labcorp
Classification: Likely benign for Kabuki syndrome. Last evaluated: 2025-06-12. Review status: criteria provided, single submitter. Criteria: Invitae Variant Classification Sherloc (09022015). Collection method: clinical testing. Allele origin: germline.

Blueprint Genetics
Classification: Likely benign. Last evaluated: 2024-07-12. Review status: criteria provided, single submitter. Criteria: ACMG Guidelines, 2015. Collection method: clinical testing. Allele origin: germline.

Fulgent Genetics
Classification: Uncertain significance for Kabuki syndrome 1; Choanal atresia-athelia-hypothyroidism-delayed puberty-short stature syndrome. Last evaluated: 2023-12-29. Review status: criteria provided, single submitter. Criteria: ACMG Guidelines, 2015. Collection method: clinical testing. Allele origin: germline.

PreventionGenetics, part of Exact Sciences
Classification: Uncertain significance for KMT2D-related condition. Last evaluated: 2024-05-09. Review status: no assertion criteria provided. Collection method: clinical testing. Allele origin: germline. Not counted in ClinVar's aggregate classification.
Comment: The KMT2D c.8897G>A variant is predicted to result in the amino acid substitution p.Arg2966Gln. To our knowledge, this variant has not been reported in the literature. This variant is reported in 0.0057% of alleles in individuals of Latino descent in gnomAD. At this time, the clinical significance of this variant is uncertain due to the absence of conclusive functional and genetic evidence.

NM_003482.4(KMT2D):c.8897G>A (p.Arg2966Gln)

Gene: KMT2D (lysine methyltransferase 2D; minus strand). Cytogenetic location: 12q13.12.
Variant type: single nucleotide variant.
Coding change: c.8897G>A on transcript NM_003482.4 (MANE Select); coding-DNA position 8897, G replaced by A.
Protein change: p.Arg2966Gln; replaces arginine 2966 with glutamine.
Molecular consequence: missense variant.
Genome position (GRCh38, 1-based): chr12:49,038,459, C>T on the plus strand (G>A on the coding strand, the complement: KMT2D is on the minus strand). VCF-style: chr12-49038459-C-T. GRCh37 (hg19) VCF-style: chr12-49432242-C-T.
Other names: short protein forms R2966Q.
Identifiers: ClinVar variation 2198547 (VCV002198547.7), dbSNP rs766773845, ClinGen allele CA6546776.
Genomic context (GRCh38, chr12:49,038,459, plus strand): 5'-AACTTCCCAGCTTCCAGGGCCAGAGGATTGGGGCGGCCAAGCTCAGTGCTCGACGGGGGC[C>T]GGTTGACCAGCTCCAAACCAGTTGGCAGGGTAGGACCCTTGGTGTGGGGTGTTGGATGAA-3'
Protein context (NP_003473.3, residues 2956-2976): TLPTGLELVN[Arg2966Gln]PPSSTELGRP